The following is an entry in ClinVar:

NM_002088.5(GRIK5):c.372G>A (p.Glu124=)

Gene: GRIK5 (glutamate ionotropic receptor kainate type subunit 5; minus strand). Cytogenetic location: 19q13.2.
Variant type: single nucleotide variant.
Coding change: c.372G>A on transcript NM_002088.5 (MANE Select); coding-DNA position 372, G replaced by A.
Protein change: p.Glu124=; no amino-acid change (glutamic acid 124 retained).
Molecular consequence: synonymous variant.
Genome position (GRCh38, 1-based): chr19:42,062,624, C>T on the plus strand (G>A on the coding strand, the complement: GRIK5 is on the minus strand). VCF-style: chr19-42062624-C-T. GRCh37 (hg19) VCF-style: chr19-42566776-C-T.
Other names: c.372G>A, p.Glu124= (NM_001301030.2).
Identifiers: ClinVar variation 3052340 (VCV003052340.2), dbSNP rs369127460, ClinGen allele CA9468716.

ClinVar aggregate classification (germline): Likely benign (0 of 4 stars; one submission).

Conditions:
GRIK5-related disorder. Also called: GRIK5-related condition.

Allele frequency attached by ClinVar (database versions not stated): ExAC 0.00004; gnomAD exomes 0.00004; gnomAD 0.00010; TOPMed 0.00014; ESP Exome Variant Server 0.00015.
gnomAD v4.1: 71 of 1,614,044 alleles (0.0044%); highest among the groups gnomAD compares: African/African-American, 0.008%; no homozygotes.

Submission:

PreventionGenetics, part of Exact Sciences
Classification: Likely benign for GRIK5-related condition. Last evaluated: 2019-08-13. Review status: no assertion criteria provided. Collection method: clinical testing. Allele origin: germline.
Comment: This variant is classified as likely benign based on ACMG/AMP sequence variant interpretation guidelines (Richards et al. 2015 PMID: 25741868, with internal and published modifications).